The following is an entry in ClinVar:

NM_000051.4(ATM):c.6535A>G (p.Ile2179Val)

Genes: ATM (ATM serine/threonine kinase; plus strand), C11orf65 (chromosome 11 open reading frame 65; minus strand). Cytogenetic location: 11q22.3.
Variant type: single nucleotide variant.
Coding change: c.6535A>G on transcript NM_000051.4 (MANE Select); coding-DNA position 6535, A replaced by G.
Protein change: p.Ile2179Val; replaces isoleucine 2179 with valine.
Molecular consequence: missense variant. On other transcripts: intron variant (2).
Genome position (GRCh38, 1-based): chr11:108,321,383, A>G. VCF-style: chr11-108321383-A-G. GRCh37 (hg19) VCF-style: chr11-108192110-A-G.
Other names: c.6535A>G, p.Ile2179Val (NM_001351834.2); c.641-12312T>C (NM_001330368.2); c.*39-12312T>C (NM_001351110.2); short protein forms I2179V.
Identifiers: ClinVar variation 1412227 (VCV001412227.9), dbSNP rs2136241829, ClinGen allele CA382554255.
Genomic context (GRCh38, chr11:108,321,383, plus strand): 5'-TGTAAGCGCAGCCTTGAGTCTGTGTATTCGCTCTATCCCACACTTAGCAGGTTGCAGGCC[A>G]TTGGAGAGCTGGAAAGCATTGGGGAGCTTTTCTCAAGGTATGTAATTCGTATGACTTTGT-3'
Protein context (NP_000042.3, residues 2169-2189): LYPTLSRLQA[Ile2179Val]GELESIGELF

ClinVar aggregate classification (germline): Uncertain significance. Review status: criteria provided, multiple submitters, no conflicts (2 of 4 stars). 2 submissions from 2 submitters: Uncertain significance (2). Last evaluated 2025-08-01.

Conditions:
Ataxia-telangiectasia syndrome (AT). Also called: Ataxia-telangiectasia; LOUIS-BAR SYNDROME; Ataxia-telangiectasia, complementation group D; AT, COMPLEMENTATION GROUP C; ATAXIA-TELANGIECTASIA, COMPLEMENTATION GROUP A; ATAXIA-TELANGIECTASIA, FRESNO VARIANT. Identifiers: Orphanet 100, MedGen C0004135, MONDO:0008840, OMIM 208900.
Hereditary cancer-predisposing syndrome. Also called: Tumor predisposition; Neoplastic Syndromes, Hereditary; Hereditary Cancer Syndrome; Hereditary neoplastic syndrome. Identifiers: Orphanet 140162, MedGen C0027672, MeSH D009386, MONDO:0015356.

Allele frequency attached by ClinVar (database versions not stated): gnomAD exomes below 0.00001.
gnomAD v4.1: 3 of 1,614,170 alleles (0.00019%); highest among the groups gnomAD compares: Non-Finnish European, 0.00025%; no homozygotes.

Submissions (2):

Labcorp Genetics (formerly Invitae), Labcorp
Classification: Uncertain significance for Ataxia-telangiectasia syndrome. Last evaluated: 2025-08-01. Review status: criteria provided, single submitter. Criteria: Invitae Variant Classification Sherloc (09022015). Collection method: clinical testing. Allele origin: germline.
Comment: This sequence change replaces isoleucine, which is neutral and non-polar, with valine, which is neutral and non-polar, at codon 2179 of the ATM protein (p.Ile2179Val). This variant is not present in population databases (gnomAD no frequency). This variant has not been reported in the literature in individuals affected with ATM-related conditions. ClinVar contains an entry for this variant (Variation ID: 1412227). Invitae Evidence Modeling of protein sequence and biophysical properties (such as structural, functional, and spatial information, amino acid conservation, physicochemical variation, residue mobility, and thermodynamic stability) indicates that this missense variant is not expected to disrupt ATM protein function with a negative predictive value of 95%. In summary, the available evidence is currently insufficient to determine the role of this variant in disease. Therefore, it has been classified as a Variant of Uncertain Significance.

Ambry Genetics
Classification: Uncertain significance for Hereditary cancer-predisposing syndrome. Last evaluated: 2022-07-27. Review status: criteria provided, single submitter. Criteria: Ambry Variant Classification Scheme 2023. Collection method: clinical testing. Allele origin: germline.
Comment: The p.I2179V variant (also known as c.6535A>G), located in coding exon 44 of the ATM gene, results from an A to G substitution at nucleotide position 6535. The isoleucine at codon 2179 is replaced by valine, an amino acid with highly similar properties. This amino acid position is conserved. In addition, this alteration is predicted to be tolerated by in silico analysis. Since supporting evidence is limited at this time, the clinical significance of this alteration remains unclear.